The following is an entry in ClinVar:

NM_182710.3(KAT5):c.969C>T (p.Gly323=)

Gene: KAT5 (lysine acetyltransferase 5; plus strand). Cytogenetic location: 11q13.1.
Variant type: single nucleotide variant.
Coding change: c.969C>T on transcript NM_182710.3 (MANE Select); coding-DNA position 969, C replaced by T.
Protein change: p.Gly323=; no amino-acid change (glycine 323 retained).
Molecular consequence: synonymous variant.
Genome position (GRCh38, 1-based): chr11:65,714,850, C>T. VCF-style: chr11-65714850-C-T. GRCh37 (hg19) VCF-style: chr11-65482321-C-T.
Other names: c.813C>T, p.Gly271= (NM_001206833.2); c.870C>T, p.Gly290= (NM_006388.4); c.714C>T, p.Gly238= (NM_182709.3).
Identifiers: ClinVar variation 4846824 (VCV004846824.1).

ClinVar aggregate classification (germline): Uncertain significance (1 of 4 stars; one submission).

Conditions:
Neurodevelopmental disorder with dysmorphic facies, sleep disturbance, and brain abnormalities. Identifiers: MedGen C5436821, MONDO:0030852, OMIM 619103.

Submission:

Laboratorio de Genetica e Diagnostico Molecular, Hospital Israelita Albert Einstein
Classification: Uncertain significance for Neurodevelopmental disorder with dysmorphic facies, sleep disturbance, and brain abnormalities. Last evaluated: 2026-02-25. Review status: criteria provided, single submitter. Criteria: ACMG Guidelines, 2015. Collection method: clinical testing. Allele origin: germline. Affected: yes.
Comment: ACMG classification criteria: PM2 supporting, PP3 supporting